The following is an entry in ClinVar:

ClinVar aggregate classification (germline): Uncertain significance. Review status: criteria provided, multiple submitters, no conflicts (2 of 4 stars). 2 submissions from 2 submitters: Uncertain significance (2). Last evaluated 2025-09-13.

Conditions:
Inborn genetic diseases. Identifiers: MedGen C0950123, MeSH D030342.

Submissions (2):

Ambry Genetics
Classification: Uncertain significance for Inborn genetic diseases. Last evaluated: 2025-09-13. Review status: criteria provided, single submitter. Criteria: Ambry Variant Classification Scheme 2023. Collection method: clinical testing. Allele origin: germline.
Comment: The p.T295I variant (also known as c.884C>T), located in coding exon 9 of the ANKRD26 gene, results from a C to T substitution at nucleotide position 884. The threonine at codon 295 is replaced by isoleucine, an amino acid with similar properties. This amino acid position is conserved. In addition, this alteration is predicted to be tolerated by in silico analysis. Based on the available evidence, the clinical significance of this variant remains unclear.

Labcorp Genetics (formerly Invitae), Labcorp
Classification: Uncertain significance. Last evaluated: 2024-11-05. Review status: criteria provided, single submitter. Criteria: Invitae Variant Classification Sherloc (09022015). Collection method: clinical testing. Allele origin: germline.
Comment: This sequence change replaces threonine, which is neutral and polar, with isoleucine, which is neutral and non-polar, at codon 295 of the ANKRD26 protein (p.Thr295Ile). This variant is not present in population databases (gnomAD no frequency). This variant has not been reported in the literature in individuals affected with ANKRD26-related conditions. ClinVar contains an entry for this variant (Variation ID: 2955268). An algorithm developed to predict the effect of missense changes on protein structure and function (PolyPhen-2) suggests that this variant is likely to be tolerated. In summary, the available evidence is currently insufficient to determine the role of this variant in disease. Therefore, it has been classified as a Variant of Uncertain Significance.

NM_014915.3(ANKRD26):c.884C>T (p.Thr295Ile)

Gene: ANKRD26 (ankyrin repeat domain 26; minus strand). Cytogenetic location: 10p12.1.
Variant type: single nucleotide variant.
Coding change: c.884C>T on transcript NM_014915.3 (MANE Select); coding-DNA position 884, C replaced by T.
Protein change: p.Thr295Ile; replaces threonine 295 with isoleucine.
Molecular consequence: missense variant.
Genome position (GRCh38, 1-based): chr10:27,077,531, G>A on the plus strand (C>T on the coding strand, the complement: ANKRD26 is on the minus strand). VCF-style: chr10-27077531-G-A. GRCh37 (hg19) VCF-style: chr10-27366460-G-A.
Other names: c.884C>T, p.Thr295Ile (NM_001256053.2); short protein forms T295I.
Identifiers: ClinVar variation 2955268 (VCV002955268.4), dbSNP rs2539122353, ClinGen allele CA376362101.
Genomic context (GRCh38, chr10:27,077,531, plus strand): 5'-TGACTATCGGAATCTCTATCCTCAAACAAAGTTCTATTTCCTGTTCTCACAGTGCCATAT[G>A]TTGCTTCTACTACAGTAAAAACAAAATAAAGAGTAAATGAAAATATATGTAATTAAGAAT-3'
Protein context (NP_055730.2, residues 285-305): SQQSRKNLEA[Thr295Ile]YGTVRTGNRT